The following is an entry in ClinVar:

ClinVar aggregate classification (germline): Pathogenic (1 of 4 stars; one submission).

Conditions:
Bartter disease type 4A. Also called: BARTTER SYNDROME, TYPE 4A, NEONATAL, WITH SENSORINEURAL DEAFNESS; BARTTER SYNDROME, NEONATAL, WITH SENSORINEURAL DEAFNESS. Identifiers: Orphanet 112, MedGen C1865270, MONDO:0011242, OMIM 602522.

Submission:

Wonkam Laboratory, Johns Hopkins University
Classification: Pathogenic for Bartter disease type 4A. Last evaluated: 2024-01-06. Review status: criteria provided, single submitter. Criteria: ACMG Guidelines, 2015. Collection method: research. Allele origin: germline. Inheritance: Autosomal recessive inheritance. Affected: yes. Observed: 2 variant alleles.
Comment: This variant BSND c.555dupG (NM_057176.2) is predicted to lead to a frameshift (PVS1), the variant Absent from controls (or at extremely low frequency if recessive) in Exome Sequencing Project, 1000 Genomes Project, or Exome Aggregation Consortium (PM2).

NM_057176.3(BSND):c.556dup (p.Ala186fs)

Gene: BSND (barttin CLCNK type accessory subunit beta; plus strand). Cytogenetic location: 1p32.3.
Variant type: Duplication.
Coding change: c.556dup on transcript NM_057176.3 (MANE Select); coding-DNA position 556, one base duplicated (G; older notation c.556dupG).
Protein change: p.Ala186fs; shifts the reading frame from alanine 186.
Molecular consequence: frameshift variant.
Genome position (GRCh38, 1-based): chr1:55,008,221, G duplicated; the last of 2 consecutive G bases (chr1:55,008,220-55,008,221); duplicating either gives the same sequence. VCF-style (leftmost placement, unchanged base first): chr1-55008219-T-TG. GRCh37 (hg19) VCF-style: chr1-55473892-T-TG.
Other names: short protein forms A186fs.
Identifiers: ClinVar variation 3767333 (VCV003767333.1).